The following is an entry in ClinVar:

ClinVar aggregate classification (germline): Uncertain significance (1 of 4 stars; one submission).

Conditions:
Cataract 39 multiple types. Also called: Cataract 39, multiple types, autosomal dominant. Identifiers: Orphanet 91492, MedGen C3808800, MONDO:0014075, OMIM 615188.

gnomAD v4.1: 13 of 1,613,284 alleles (0.00081%); highest among the groups gnomAD compares: Admixed American, 0.018%; no homozygotes.

Submission:

Labcorp Genetics (formerly Invitae), Labcorp
Classification: Uncertain significance for Cataract 39 multiple types. Last evaluated: 2024-09-27. Review status: criteria provided, single submitter. Criteria: Invitae Variant Classification Sherloc (09022015). Collection method: clinical testing. Allele origin: germline.
Comment: This sequence change replaces serine, which is neutral and polar, with proline, which is neutral and non-polar, at codon 78 of the CRYGB protein (p.Ser78Pro). This variant is present in population databases (rs746699013, gnomAD 0.02%). This variant has not been reported in the literature in individuals affected with CRYGB-related conditions. An algorithm developed to predict the effect of missense changes on protein structure and function (PolyPhen-2) suggests that this variant is likely to be disruptive. In summary, the available evidence is currently insufficient to determine the role of this variant in disease. Therefore, it has been classified as a Variant of Uncertain Significance.

NM_005210.4(CRYGB):c.232T>C (p.Ser78Pro)

Genes: CRYGB (crystallin gamma B; minus strand), LOC100507443 (uncharacterized LOC100507443; plus strand). Cytogenetic location: 2q33.3.
Variant type: single nucleotide variant.
Coding change: c.232T>C on transcript NM_005210.4 (MANE Select); coding-DNA position 232, T replaced by C.
Protein change: p.Ser78Pro; replaces serine 78 with proline.
Molecular consequence: missense variant.
Genome position (GRCh38, 1-based): chr2:208,145,794, A>G on the plus strand (T>C on the coding strand, the complement: CRYGB is on the minus strand). VCF-style: chr2-208145794-A-G. GRCh37 (hg19) VCF-style: chr2-209010518-A-G.
Other names: short protein forms S78P.
Identifiers: ClinVar variation 3641487 (VCV003641487.2).